The following is an entry in ClinVar:

ClinVar aggregate classification (germline): Uncertain significance. Review status: criteria provided, multiple submitters, no conflicts (2 of 4 stars). 4 submissions from 4 submitters: Uncertain significance (4). Last evaluated 2024-10-07.

Conditions:
Hereditary cancer-predisposing syndrome. Also called: Hereditary neoplastic syndrome; Tumor predisposition; Neoplastic Syndromes, Hereditary; Hereditary Cancer Syndrome. Identifiers: Orphanet 140162, MedGen C0027672, MeSH D009386, MONDO:0015356.
Familial thoracic aortic aneurysm and aortic dissection (TAAD). Also called: Thoracic aortic aneurysms and dissections. Identifiers: Orphanet 91387, MedGen C4707243, MONDO:0019625.
Juvenile polyposis syndrome (JPS). Identifiers: Orphanet 2929, MedGen C0345893, MONDO:0017380, OMIM 174900.
Juvenile polyposis/hereditary hemorrhagic telangiectasia syndrome (JPHT). Also called: Juvenile Polyposis Syndrome / Hereditary Hemorrhagic Telangiectasia (JPS/HHT); JP/HHT SYNDROME; JUVENILE POLYPOSIS WITH HEREDITARY HEMORRHAGIC TELANGIECTASIA; POLYPOSIS, GENERALIZED JUVENILE, WITH PULMONARY ARTERIOVENOUS MALFORMATION; TELANGIECTASIA, HEREDITARY HEMORRHAGIC, WITH JUVENILE POLYPOSIS COLI. Identifiers: Orphanet 2929, MedGen C1832942, MONDO:0008278, OMIM 175050.

Allele frequency attached by ClinVar (database versions not stated): gnomAD exomes below 0.00001.
gnomAD v4.1: 2 of 1,613,598 alleles (0.00012%); highest among the groups gnomAD compares: Non-Finnish European, 0.000085%; no homozygotes.

Submissions (4):

Labcorp Genetics (formerly Invitae), Labcorp
Classification: Uncertain significance for Juvenile polyposis syndrome. Last evaluated: 2024-10-07. Review status: criteria provided, single submitter. Criteria: Invitae Variant Classification Sherloc (09022015). Collection method: clinical testing. Allele origin: germline.
Comment: This sequence change replaces asparagine, which is neutral and polar, with serine, which is neutral and polar, at codon 3 of the SMAD4 protein (p.Asn3Ser). This variant is not present in population databases (gnomAD no frequency). This variant has not been reported in the literature in individuals affected with SMAD4-related conditions. ClinVar contains an entry for this variant (Variation ID: 580768). Invitae Evidence Modeling of protein sequence and biophysical properties (such as structural, functional, and spatial information, amino acid conservation, physicochemical variation, residue mobility, and thermodynamic stability) indicates that this missense variant is not expected to disrupt SMAD4 protein function with a negative predictive value of 95%. In summary, the available evidence is currently insufficient to determine the role of this variant in disease. Therefore, it has been classified as a Variant of Uncertain Significance.

All of Us Research Program, National Institutes of Health
Classification: Uncertain significance for Juvenile polyposis/hereditary hemorrhagic telangiectasia syndrome. Last evaluated: 2023-12-18. Review status: criteria provided, single submitter. Criteria: ACMG Guidelines, 2015. Collection method: clinical testing. Allele origin: germline. Inheritance: Autosomal dominant inheritance. Observed: 1 variant allele, 1 heterozygote.
Comment: This missense variant replaces asparagine with serine at codon 3 of the SMAD4 protein. Computational prediction suggests that this variant may not impact protein structure and function (internally defined REVEL score threshold <= 0.5, PMID: 27666373). To our knowledge, functional studies have not been reported for this variant. This variant has not been reported in individuals affected with SMAD4-related disorders in the literature. This variant has not been identified in the general population by the Genome Aggregation Database (gnomAD). The available evidence is insufficient to determine the role of this variant in disease conclusively. Therefore, this variant is classified as a Variant of Uncertain Significance.

This study involves interpretation of variants in research participants for the purpose of population health screening. Participant phenotype was not available at the time of variant classification. Additional details can be found in publication PMID: 35346344, PMCID: PMC8962531

GeneDx
Classification: Uncertain significance. Last evaluated: 2022-02-01. Review status: criteria provided, single submitter. Criteria: GeneDx Variant Classification Process June 2021. Collection method: clinical testing. Allele origin: germline. Affected: yes.
Comment: Not observed at significant frequency in large population cohorts (gnomAD); In silico analysis supports that this missense variant does not alter protein structure/function; Has not been previously published as pathogenic or benign to our knowledge

Ambry Genetics
Classification: Uncertain significance for Hereditary cancer-predisposing syndrome; Familial thoracic aortic aneurysm and aortic dissection. Last evaluated: 2015-10-22. Review status: criteria provided, single submitter. Criteria: Ambry Variant Classification Scheme 2023. Collection method: clinical testing. Allele origin: germline.
Comment: The p.N3S variant (also known as c.8A>G), located in coding exon 1 of the SMAD4 gene, results from an A to G substitution at nucleotide position 8. The asparagine at codon 3 is replaced by serine, an amino acid with highly similar properties. This variant was not reported in population based cohorts in the following databases: Database of Single Nucleotide Polymorphisms (dbSNP), NHLBI Exome Sequencing Project (ESP), and 1000 Genomes Project. In the ESP, this variant was not observed in 6503 samples (13006 alleles) with coverage at this position. To date, this alteration has been detected with an allele frequency of approximately 0.003% (greater than 30000 alleles tested) in our clinical cohort. This amino acid position is not well conserved in available vertebrate species. In addition, this alteration is predicted to be tolerated by in silico analysis. Since supporting evidence is limited at this time, the clinical significance of p.N3S remains unclear.

NM_005359.6(SMAD4):c.8A>G (p.Asn3Ser)

Gene: SMAD4 (SMAD family member 4; plus strand). Cytogenetic location: 18q21.2.
Variant type: single nucleotide variant.
Coding change: c.8A>G on transcript NM_005359.6 (MANE Select); coding-DNA position 8, A replaced by G.
Protein change: p.Asn3Ser; replaces asparagine 3 with serine.
Molecular consequence: missense variant.
Genome position (GRCh38, 1-based): chr18:51,047,054, A>G. VCF-style: chr18-51047054-A-G. GRCh37 (hg19) VCF-style: chr18-48573424-A-G.
Other names: short protein forms N3S.
Identifiers: ClinVar variation 580768 (VCV000580768.16), dbSNP rs757702252, ClinGen allele CA300080951.